The following is an entry in ClinVar:

NM_012471.3(TRPC5):c.2386_2387del (p.Ser796fs)

Gene: TRPC5 (transient receptor potential cation channel subfamily C member 5; minus strand). Cytogenetic location: Xq23.
Variant type: Microsatellite.
Coding change: c.2386_2387del on transcript NM_012471.3 (MANE Select); coding-DNA positions 2386 to 2387, 2 bases deleted (AG; older notation c.2386_2387delAG).
Protein change: p.Ser796fs; shifts the reading frame from serine 796.
Molecular consequence: frameshift variant.
Genome position (GRCh38, 1-based): chrX:111,776,848-111,776,849, CT deleted on the plus strand (AG on the coding strand, the reverse complement: TRPC5 is on the minus strand); deleting any 2 consecutive bases within chrX:111,776,848-111,776,851 gives the same sequence; the c. name uses the placement nearest the transcript's 3' end. VCF-style (leftmost placement, unchanged base first): chrX-111776847-ACT-A. GRCh37 (hg19) VCF-style: chrX-111020075-ACT-A.
Other names: c.2386_2387delAG (NM_012471.2); c.2384_2385AG[1], p.Ser796Cysfs (NM_012471.2); short protein forms S796fs.
Identifiers: ClinVar variation 4994072 (VCV004994072.1).

ClinVar aggregate classification (germline): Uncertain significance (1 of 4 stars; one submission).

Conditions:
TRPC5-related disorder. Also called: TRPC5-related condition.

Submission:

PreventionGenetics, part of Exact Sciences
Classification: Uncertain significance for TRPC5-related condition. Last evaluated: 2026-06-20. Review status: criteria provided, single submitter. Criteria: ACMG Guidelines, 2015. Collection method: clinical testing. Allele origin: germline.
Comment: The TRPC5 c.2386_2387delAG variant is predicted to result in a frameshift and premature protein termination (p.Ser796Cysfs*4). To our knowledge, this variant has not been reported in the literature or in a large population database (gnomAD), indicating this variant is rare. At this time, the clinical significance of this variant is uncertain due to the absence of conclusive functional and genetic evidence.